The following is an entry in ClinVar:

ClinVar aggregate classification (germline): Uncertain significance (1 of 4 stars; one submission).

Allele frequency attached by ClinVar (database versions not stated): gnomAD 0.00001; gnomAD exomes 0.00002; TOPMed below 0.00001; ExAC 0.00001.
gnomAD v4.1: 29 of 1,586,462 alleles (0.0018%); highest among the groups gnomAD compares: Non-Finnish European, 0.0023%; no homozygotes.

Submission:

Labcorp Genetics (formerly Invitae), Labcorp
Classification: Uncertain significance. Last evaluated: 2025-06-29. Review status: criteria provided, single submitter. Criteria: Invitae Variant Classification Sherloc (09022015). Collection method: clinical testing. Allele origin: germline.
Comment: This sequence change falls in intron 13 of the TNNI3K gene. It does not directly change the encoded amino acid sequence of the TNNI3K protein. This variant is present in population databases (rs759280555, gnomAD 0.002%). This variant has not been reported in the literature in individuals affected with TNNI3K-related conditions. ClinVar contains an entry for this variant (Variation ID: 3006073). Algorithms developed to predict the effect of sequence changes on RNA splicing suggest that this variant may create or strengthen a splice site. In summary, the available evidence is currently insufficient to determine the role of this variant in disease. Therefore, it has been classified as a Variant of Uncertain Significance.

NM_015978.3(TNNI3K):c.1322-14A>G

Genes: FPGT-TNNI3K (FPGT-TNNI3K readthrough; plus strand), TNNI3K (TNNI3 interacting kinase; plus strand). Cytogenetic location: 1p31.1.
Variant type: single nucleotide variant.
Coding change: c.1322-14A>G on transcript NM_015978.3 (MANE Select); 14 bases into the intron before coding-DNA position 1322, A replaced by G.
Molecular consequence: intron variant.
Genome position (GRCh38, 1-based): chr1:74,369,008, A>G. VCF-style: chr1-74369008-A-G. GRCh37 (hg19) VCF-style: chr1-74834692-A-G.
Other names: c.1625-14A>G (NM_001112808.3, NM_001199327.2).
Identifiers: ClinVar variation 3006073 (VCV003006073.3), dbSNP rs759280555, ClinGen allele CA909252.